The following is an entry in ClinVar:

ClinVar aggregate classification (germline): Uncertain significance (1 of 4 stars; one submission).

Conditions:
CEP164-related disorder. Also called: CEP164-related condition.

Submission:

PreventionGenetics, part of Exact Sciences
Classification: Uncertain significance for CEP164-related condition. Last evaluated: 2024-12-14. Review status: criteria provided, single submitter. Criteria: ACMG Guidelines, 2015. Collection method: clinical testing. Allele origin: germline.
Comment: The CEP164 c.898G>C variant is predicted to result in the amino acid substitution p.Gly300Arg. To our knowledge, this variant has not been reported in the literature or in a large population database (gnomAD), indicating this variant is rare. At this time, the clinical significance of this variant is uncertain due to the absence of conclusive functional and genetic evidence.

NM_014956.5(CEP164):c.898G>C (p.Gly300Arg)

Gene: CEP164 (centrosomal protein 164; plus strand). Cytogenetic location: 11q23.3.
Variant type: single nucleotide variant.
Coding change: c.898G>C on transcript NM_014956.5 (MANE Select); coding-DNA position 898, G replaced by C.
Protein change: p.Gly300Arg; replaces glycine 300 with arginine.
Molecular consequence: missense variant.
Genome position (GRCh38, 1-based): chr11:117,371,212, G>C. VCF-style: chr11-117371212-G-C. GRCh37 (hg19) VCF-style: chr11-117241928-G-C.
Other names: c.898G>C, p.Gly300Arg (NM_001271933.2, NM_001440949.1, NM_001440950.1 and 16 more transcripts); c.820G>C, p.Gly274Arg (NM_001440952.1, NM_001440954.1, NM_001440955.1 and 17 more transcripts); c.760G>C, p.Gly254Arg (NM_001440960.1); short protein forms G254R, G274R, G300R.
Identifiers: ClinVar variation 5001397 (VCV005001397.1).